The following is an entry in ClinVar:

ClinVar aggregate classification (germline): Likely benign. Review status: criteria provided, single submitter (1 of 4 stars). 2 submissions from 2 submitters: Likely benign (1). 1 of the submissions does not count toward it. Last evaluated 2022-08-04.

Conditions:
NEFH-related disorder. Also called: NEFH-related condition.

Allele frequency attached by ClinVar (database versions not stated): TOPMed 0.00001.
gnomAD v4.1: 40 of 1,394,424 alleles (0.0029%); highest among the groups gnomAD compares: Non-Finnish European, 0.0035%; no homozygotes.

Submissions (2):

Labcorp Genetics (formerly Invitae), Labcorp
Classification: Likely benign. Last evaluated: 2022-08-04. Review status: criteria provided, single submitter. Criteria: Invitae Variant Classification Sherloc (09022015). Collection method: clinical testing. Allele origin: germline.

PreventionGenetics, part of Exact Sciences
Classification: Likely benign for NEFH-related condition. Last evaluated: 2023-12-12. Review status: no assertion criteria provided. Collection method: clinical testing. Allele origin: germline. Not counted in ClinVar's aggregate classification.
Comment: This variant is classified as likely benign based on ACMG/AMP sequence variant interpretation guidelines (Richards et al. 2015 PMID: 25741868, with internal and published modifications).

NM_021076.4(NEFH):c.585C>T (p.Ala195=)

Gene: NEFH (neurofilament heavy chain; plus strand). Cytogenetic location: 22q12.2.
Variant type: single nucleotide variant.
Coding change: c.585C>T on transcript NM_021076.4 (MANE Select); coding-DNA position 585, C replaced by T.
Protein change: p.Ala195=; no amino-acid change (alanine 195 retained).
Molecular consequence: synonymous variant.
Genome position (GRCh38, 1-based): chr22:29,480,847, C>T. VCF-style: chr22-29480847-C-T. GRCh37 (hg19) VCF-style: chr22-29876836-C-T.
Other names: c.585C>T (NM_021076.3).
Identifiers: ClinVar variation 1635554 (VCV001635554.10), dbSNP rs1319379371, ClinGen allele CA514173833.